The following is an entry in ClinVar:

ClinVar aggregate classification (germline): Uncertain significance (1 of 4 stars; one submission).

Submission:

GeneDx
Classification: Uncertain significance. Last evaluated: 2012-03-08. Review status: criteria provided, single submitter. Criteria: GeneDx Variant Classification (06012015). Collection method: clinical testing. Allele origin: germline. Affected: yes.
Comment: p.Leu391Pro (CTG>CCG): c.1172 T>C in exon 10 of the KCNQ2 gene. The Leu391Pro missense change has not been published as a mutation, nor has it been reported as a benign polymorphism to our knowledge. The NHLBI ESP Exome Variant Project has not identified Leu391Pro in approximately 5,000 individuals of European or African American ethnicity, indicating that it is not a common benign variant in these populations. Although both Leucine and Proline are non-polar amino acids, the gain of a bulky Proline residue may alter the secondary structure of the protein. The Leu391Pro substitution alters a highly conserved position in the C-terminal domain of the KCNQ2 protein, and multiple in silico algorithms predict that Leu391Pro is damaging to protein structure/function. However, the majority of pathogenic missense mutations in this region map to one of the calmodulin (CaM) binding domains, whereas the Leu391 residue is not located in a CaM domain. Therefore, based on the information currently available, it is unclear whether Leu391Pro is a disease-causing mutation or a rare benign variant. The variant is found in INFANT-EPI panel(s).

NM_172107.4(KCNQ2):c.1172T>C (p.Leu391Pro)

Gene: KCNQ2 (potassium voltage-gated channel subfamily Q member 2; minus strand). Cytogenetic location: 20q13.33.
Variant type: single nucleotide variant.
Coding change: c.1172T>C on transcript NM_172107.4 (MANE Select); coding-DNA position 1172, T replaced by C.
Protein change: p.Leu391Pro; replaces leucine 391 with proline.
Molecular consequence: missense variant.
Genome position (GRCh38, 1-based): chr20:63,428,412, A>G on the plus strand (T>C on the coding strand, the complement: KCNQ2 is on the minus strand). VCF-style: chr20-63428412-A-G. GRCh37 (hg19) VCF-style: chr20-62059765-A-G.
Other names: p.L391P:CTG>CCG; c.1172T>C, p.Leu391Pro (NM_001382235.1, NM_001439003.1, NM_172106.3 and 1 more transcripts); c.1142T>C, p.Leu381Pro (NM_001439004.1, NM_004518.6); short protein forms L391P, L381P.
Identifiers: ClinVar variation 205900 (VCV000205900.4), dbSNP rs796052646, ClinGen allele CA315434.